The following is an entry in ClinVar:

ClinVar aggregate classification (germline): Uncertain significance (1 of 4 stars; one submission).

Conditions:
Tall stature-intellectual disability-renal anomalies syndrome. Also called: Thauvin-Robinet-Faivre syndrome. Identifiers: Orphanet 500095, MedGen C4310715, MONDO:0014918, OMIM 617107.

gnomAD v4.1: 10 of 1,613,468 alleles (0.00062%); highest among the groups gnomAD compares: East Asian, 0.0045%; no homozygotes.

Submission:

Laboratorio de Genetica e Diagnostico Molecular, Hospital Israelita Albert Einstein
Classification: Uncertain significance for Tall stature-intellectual disability-renal anomalies syndrome. Last evaluated: 2024-12-30. Review status: criteria provided, single submitter. Criteria: ACMG Guidelines, 2015. Collection method: clinical testing. Allele origin: germline. Affected: yes.
Comment: ACMG classification criteria: PM2 supporting

NM_004214.5(FIBP):c.1003C>T (p.Arg335Ter)

Gene: FIBP (FGF1 intracellular binding protein; minus strand). Cytogenetic location: 11q13.1.
Variant type: single nucleotide variant.
Coding change: c.1003C>T on transcript NM_004214.5 (MANE Select); coding-DNA position 1003, C replaced by T.
Protein change: p.Arg335Ter; replaces arginine 335 with a stop codon.
Molecular consequence: nonsense.
Genome position (GRCh38, 1-based): chr11:65,884,393, G>A on the plus strand (C>T on the coding strand, the complement: FIBP is on the minus strand). VCF-style: chr11-65884393-G-A. GRCh37 (hg19) VCF-style: chr11-65651864-G-A.
Other names: c.1024C>T, p.Arg342Ter (NM_198897.2); short protein forms R335*, R342*.
Identifiers: ClinVar variation 3902016 (VCV003902016.1).